The following is an entry in ClinVar:

ClinVar aggregate classification (germline): Uncertain significance (1 of 4 stars; one submission).

Conditions:
Hereditary cancer-predisposing syndrome. Also called: Tumor predisposition; Neoplastic Syndromes, Hereditary; Hereditary neoplastic syndrome; Hereditary Cancer Syndrome. Identifiers: Orphanet 140162, MedGen C0027672, MeSH D009386, MONDO:0015356.

Submission:

Ambry Genetics
Classification: Uncertain significance for Hereditary cancer-predisposing syndrome. Last evaluated: 2025-07-23. Review status: criteria provided, single submitter. Criteria: Ambry Variant Classification Scheme 2023. Collection method: clinical testing. Allele origin: germline.
Comment: The p.I52T variant (also known as c.155T>C), located in coding exon 1 of the MET gene, results from a T to C substitution at nucleotide position 155. The isoleucine at codon 52 is replaced by threonine, an amino acid with similar properties. This amino acid position is highly conserved in available vertebrate species. In addition, the in silico prediction for this alteration is inconclusive. Based on the available evidence, the clinical significance of this variant remains unclear.

NM_000245.4(MET):c.155T>C (p.Ile52Thr)

Gene: MET (MET proto-oncogene, receptor tyrosine kinase; plus strand). Cytogenetic location: 7q31.2.
Variant type: single nucleotide variant.
Coding change: c.155T>C on transcript NM_000245.4 (MANE Select); coding-DNA position 155, T replaced by C.
Protein change: p.Ile52Thr; replaces isoleucine 52 with threonine.
Molecular consequence: missense variant. On other transcripts: intron variant (1).
Genome position (GRCh38, 1-based): chr7:116,699,239, T>C. VCF-style: chr7-116699239-T-C. GRCh37 (hg19) VCF-style: chr7-116339293-T-C.
Other names: c.-91+26662T>C (NM_001324402.2); c.155T>C, p.Ile52Thr (NM_001127500.3, NM_001324401.3); short protein forms I52T.
Identifiers: ClinVar variation 4106756 (VCV004106756.1).